The following is an entry in ClinVar:

ClinVar aggregate classification (germline): Uncertain significance (1 of 4 stars; one submission).

Allele frequency attached by ClinVar (database versions not stated): ExAC 0.00004.

Submission:

Labcorp Genetics (formerly Invitae), Labcorp
Classification: Uncertain significance. Last evaluated: 2025-10-16. Review status: criteria provided, single submitter. Criteria: Invitae Variant Classification Sherloc (09022015). Collection method: clinical testing. Allele origin: germline.
Comment: This sequence change replaces asparagine, which is neutral and polar, with serine, which is neutral and polar, at codon 25 of the SLC10A2 protein (p.Asn25Ser). This variant is present in population databases (rs199867772, gnomAD 0.01%). This variant has not been reported in the literature in individuals affected with SLC10A2-related conditions. ClinVar contains an entry for this variant (Variation ID: 2085319). An algorithm developed to predict the effect of missense changes on protein structure and function (PolyPhen-2) suggests that this variant is likely to be tolerated. In summary, the available evidence is currently insufficient to determine the role of this variant in disease. Therefore, it has been classified as a Variant of Uncertain Significance.

NM_000452.3(SLC10A2):c.74A>G (p.Asn25Ser)

Gene: SLC10A2 (solute carrier family 10 member 2; minus strand). Cytogenetic location: 13q33.1.
Variant type: single nucleotide variant.
Coding change: c.74A>G on transcript NM_000452.3 (MANE Select); coding-DNA position 74, A replaced by G.
Protein change: p.Asn25Ser; replaces asparagine 25 with serine.
Molecular consequence: missense variant.
Genome position (GRCh38, 1-based): chr13:103,066,176, T>C on the plus strand (A>G on the coding strand, the complement: SLC10A2 is on the minus strand). VCF-style: chr13-103066176-T-C. GRCh37 (hg19) VCF-style: chr13-103718526-T-C.
Other names: short protein forms N25S.
Identifiers: ClinVar variation 2085319 (VCV002085319.4), dbSNP rs199867772, ClinGen allele CA7042353.